The following is an entry in ClinVar:

ClinVar aggregate classification (germline): Uncertain significance. Review status: criteria provided, multiple submitters, no conflicts (2 of 4 stars). 5 submissions from 3 submitters: Uncertain significance (5). Last evaluated 2023-04-11.

Conditions:
Inborn genetic diseases. Identifiers: MedGen C0950123, MeSH D030342.
Retinitis pigmentosa 12 (RP12). Also called: RP WITH OR WITHOUT PPRPE; RP WITH OR WITHOUT PRESERVED PARAARTERIOLE RETINAL PIGMENT EPITHELIUM; RETINITIS PIGMENTOSA WITH OR WITHOUT PARAARTERIOLAR PRESERVATION OF RETINAL PIGMENT EPITHELIUM. Identifiers: Orphanet 791, MedGen C1838647, MONDO:0010818, OMIM 600105.
Leber congenital amaurosis 8 (LCA8). Identifiers: Orphanet 65, MedGen C3151202, MONDO:0013453, OMIM 613835.
Pigmented paravenous retinochoroidal atrophy. Identifiers: Orphanet 251295, MedGen C1868310, MONDO:0008246, OMIM 172870.

Allele frequency attached by ClinVar (database versions not stated): gnomAD exomes below 0.00001.
gnomAD v4.1: 1 of 1,613,924 alleles (0.000062%); highest among the groups gnomAD compares: Non-Finnish European, 0.000085%; no homozygotes.

Submissions (5):

Genome-Nilou Lab
Classification: Uncertain significance for Leber congenital amaurosis 8. Last evaluated: 2023-04-11. Review status: criteria provided, single submitter. Criteria: ACMG Guidelines, 2015. Collection method: clinical testing. Allele origin: germline. Affected: no.

Genome-Nilou Lab
Classification: Uncertain significance for Pigmented paravenous retinochoroidal atrophy. Last evaluated: 2023-04-11. Review status: criteria provided, single submitter. Criteria: ACMG Guidelines, 2015. Collection method: clinical testing. Allele origin: germline. Affected: no.

Genome-Nilou Lab
Classification: Uncertain significance for Retinitis pigmentosa 12. Last evaluated: 2023-04-11. Review status: criteria provided, single submitter. Criteria: ACMG Guidelines, 2015. Collection method: clinical testing. Allele origin: germline. Affected: no.

Ambry Genetics
Classification: Uncertain significance for Inborn genetic diseases. Last evaluated: 2023-01-24. Review status: criteria provided, single submitter. Criteria: Ambry Variant Classification Scheme 2023. Collection method: clinical testing. Allele origin: germline.

Labcorp Genetics (formerly Invitae), Labcorp
Classification: Uncertain significance for Leber congenital amaurosis 8; Retinitis pigmentosa 12. Last evaluated: 2022-07-23. Review status: criteria provided, single submitter. Criteria: Invitae Variant Classification Sherloc (09022015). Collection method: clinical testing. Allele origin: germline.
Comment: This sequence change replaces glutamine, which is neutral and polar, with arginine, which is basic and polar, at codon 1384 of the CRB1 protein (p.Gln1384Arg). This variant is not present in population databases (gnomAD no frequency). This variant has not been reported in the literature in individuals affected with CRB1-related conditions. Advanced modeling of protein sequence and biophysical properties (such as structural, functional, and spatial information, amino acid conservation, physicochemical variation, residue mobility, and thermodynamic stability) performed at Invitae indicates that this missense variant is not expected to disrupt CRB1 protein function. In summary, the available evidence is currently insufficient to determine the role of this variant in disease. Therefore, it has been classified as a Variant of Uncertain Significance.

NM_201253.3(CRB1):c.4151A>G (p.Gln1384Arg)

Gene: CRB1 (crumbs cell polarity complex component 1; plus strand). Cytogenetic location: 1q31.3.
Variant type: single nucleotide variant.
Coding change: c.4151A>G on transcript NM_201253.3 (MANE Select); coding-DNA position 4151, A replaced by G.
Protein change: p.Gln1384Arg; replaces glutamine 1384 with arginine.
Molecular consequence: missense variant. On other transcripts: non-coding transcript variant (2).
Genome position (GRCh38, 1-based): chr1:197,477,809, A>G. VCF-style: chr1-197477809-A-G. GRCh37 (hg19) VCF-style: chr1-197446939-A-G.
Other names: c.3815A>G, p.Gln1272Arg (NM_001193640.2); c.4079A>G, p.Gln1360Arg (NM_001257965.2); c.2543A>G, p.Gln848Arg (NM_001257966.2); c.4151A>G (NM_201253.2); short protein forms Q1272R, Q1360R, Q1384R, Q848R.
Identifiers: ClinVar variation 2066070 (VCV002066070.4), dbSNP rs2528461496, ClinGen allele CA344035818.
Genomic context (GRCh38, chr1:197,477,809, plus strand): 5'-TTGCTTCTGTTGTCACCTCCAACAAAAGGGCAACTCAGGGAACCTACAGCCCCAGCCGTC[A>G]GGAGAAGGAGGGCTCCCGAGTGGAAATGTGGAACTTGATGCCACCCCCTGCAATGGAGAG-3'
Protein context (NP_957705.1, residues 1374-1394): ATQGTYSPSR[Gln1384Arg]EKEGSRVEMW